The following is an entry in ClinVar:

ClinVar aggregate classification (germline): Likely benign. Review status: criteria provided, multiple submitters, no conflicts (2 of 4 stars). 6 submissions from 5 submitters: Likely benign (6). Last evaluated 2026-02-04.

Conditions:
Spondylocostal dysostosis 1, autosomal recessive (SCDO1). Also called: DLL3-Related Spondylocostal Dysostosis, Autosomal Recessive. Identifiers: Orphanet 2311, MedGen CN032975, MONDO:0020692, OMIM 277300.
Syndactyly. Also called: Webbed fingers or toes. Identifiers: MedGen C0039075, MONDO:0021002, HP:0001159.

Allele frequency attached by ClinVar (database versions not stated): 1000 Genomes Project 30x 0.00016; 1000 Genomes Project 0.00020; gnomAD exomes 0.00040 and 0.00088; gnomAD 0.00049 and 0.00050; TOPMed 0.00060; ExAC 0.00078.

Submissions (6):

Labcorp Genetics (formerly Invitae), Labcorp
Classification: Likely benign. Last evaluated: 2026-02-04. Review status: criteria provided, single submitter. Criteria: Invitae Variant Classification Sherloc (09022015). Collection method: clinical testing. Allele origin: germline.

Blueprint Genetics
Classification: Likely benign. Last evaluated: 2024-11-25. Review status: criteria provided, single submitter. Criteria: ACMG Guidelines, 2015. Collection method: clinical testing. Allele origin: germline.

ARUP Laboratories, Molecular Genetics and Genomics, ARUP Laboratories
Classification: Likely benign for Spondylocostal dysostosis 1, autosomal recessive. Last evaluated: 2023-11-22. Review status: criteria provided, single submitter. Criteria: ARUP Molecular Germline Variant Investigation Process 2024. Collection method: clinical testing. Allele origin: germline.

GeneDx
Classification: Likely benign. Last evaluated: 2021-02-27. Review status: criteria provided, single submitter. Criteria: GeneDx Variant Classification Process June 2021. Collection method: clinical testing. Allele origin: germline. Affected: yes.
Comment: This variant is associated with the following publications: (PMID: 12746394)

Illumina Laboratory Services, Illumina
Classification: Likely benign for Non-syndromic syndactyly. Last evaluated: 2018-01-12. Review status: criteria provided, single submitter. Criteria: ICSL Variant Classification Criteria 13 December 2019. Collection method: clinical testing. Allele origin: germline.
Comment: This variant was observed in the ICSL laboratory as part of a predisposition screen in an ostensibly healthy population. It had not been previously curated by ICSL or reported in the Human Gene Mutation Database (HGMD: prior to June 1st, 2018), and was therefore a candidate for classification through an automated scoring system. Utilizing variant allele frequency, disease prevalence and penetrance estimates, and inheritance mode, an automated score was calculated to assess if this variant is too frequent to cause the disease. Based on the score and internal cut-off values, a variant classified as likely benign is not then subjected to further curation. The score for this variant resulted in a classification of likely benign for this disease.

Illumina Laboratory Services, Illumina
Classification: Likely benign for Spondylocostal dysostosis 1, autosomal recessive. Last evaluated: 2018-01-12. Review status: criteria provided, single submitter. Criteria: ICSL Variant Classification Criteria 13 December 2019. Collection method: clinical testing. Allele origin: germline.
Comment: the same text as in the submission from Illumina Laboratory Services, Illumina above.

NM_203486.3(DLL3):c.1356C>T (p.Val452=)

Gene: DLL3 (delta like canonical Notch ligand 3; plus strand). Cytogenetic location: 19q13.2.
Variant type: single nucleotide variant.
Coding change: c.1356C>T on transcript NM_203486.3 (MANE Select); coding-DNA position 1356, C replaced by T.
Protein change: p.Val452=; no amino-acid change (valine 452 retained).
Molecular consequence: synonymous variant.
Genome position (GRCh38, 1-based): chr19:39,507,301, C>T. VCF-style: chr19-39507301-C-T. GRCh37 (hg19) VCF-style: chr19-39997941-C-T.
Other names: c.1356C>T, p.Val452= (NM_016941.4).
Identifiers: ClinVar variation 329238 (VCV000329238.18), dbSNP rs554268445, ClinGen allele CA9432417.